The following is an entry in ClinVar:

NM_000057.4(BLM):c.880G>T (p.Asp294Tyr)

Gene: BLM (BLM RecQ like helicase; plus strand). Cytogenetic location: 15q26.1.
Variant type: single nucleotide variant.
Coding change: c.880G>T on transcript NM_000057.4 (MANE Select); coding-DNA position 880, G replaced by T.
Protein change: p.Asp294Tyr; replaces aspartic acid 294 with tyrosine.
Molecular consequence: missense variant. On other transcripts: 5 prime UTR variant (1).
Genome position (GRCh38, 1-based): chr15:90,751,867, G>T. VCF-style: chr15-90751867-G-T. GRCh37 (hg19) VCF-style: chr15-91295097-G-T.
Other names: c.880G>T, p.Asp294Tyr (NM_001287246.2, NM_001287247.2); c.-412G>T (NM_001287248.2); short protein forms D294Y.
Identifiers: ClinVar variation 2452570 (VCV002452570.3), dbSNP rs1596221148, ClinGen allele CA393841798.
Genomic context (GRCh38, chr15:90,751,867, plus strand): 5'-AATTTGGAAGAAGCTGAATTACATTCAACTGAGAAAGTTCCATGTATTGAATTTGATGAT[G>T]ATGATTATGATACGGATTTTGTTCCACCTTCTCCAGAAGAAATTATTTCTGCTTCTTCTT-3'
Protein context (NP_000048.1, residues 284-304): EKVPCIEFDD[Asp294Tyr]DYDTDFVPPS

ClinVar aggregate classification (germline): Uncertain significance (1 of 4 stars; one submission).

Conditions:
Hereditary cancer-predisposing syndrome. Also called: Neoplastic Syndromes, Hereditary; Tumor predisposition; Hereditary neoplastic syndrome; Hereditary Cancer Syndrome. Identifiers: Orphanet 140162, MedGen C0027672, MeSH D009386, MONDO:0015356.

Submission:

Ambry Genetics
Classification: Uncertain significance for Hereditary cancer-predisposing syndrome. Last evaluated: 2025-04-07. Review status: criteria provided, single submitter. Criteria: Ambry Variant Classification Scheme 2023. Collection method: clinical testing. Allele origin: germline.
Comment: The p.D294Y variant (also known as c.880G>T), located in coding exon 3 of the BLM gene, results from a G to T substitution at nucleotide position 880. The aspartic acid at codon 294 is replaced by tyrosine, an amino acid with highly dissimilar properties. This amino acid position is conserved. In addition, this alteration is predicted to be tolerated by in silico analysis. Since supporting evidence is limited at this time, the clinical significance of this alteration remains unclear.